The following is an entry in ClinVar:

ClinVar aggregate classification (germline): Likely benign (0 of 4 stars; one submission).

Conditions:
SYN1-related disorder. Also called: SYN1-related condition; SYN1-Related Disorders.

Allele frequency attached by ClinVar (database versions not stated): gnomAD exomes below 0.00001; ExAC 0.00004.
gnomAD v4.1: 3 of 1,191,549 alleles (0.00025%); highest among the groups gnomAD compares: African/African-American, 0.0017%; no homozygotes.

Submission:

PreventionGenetics, part of Exact Sciences
Classification: Likely benign for SYN1-related condition. Last evaluated: 2019-06-07. Review status: no assertion criteria provided. Collection method: clinical testing. Allele origin: germline.
Comment: This variant is classified as likely benign based on ACMG/AMP sequence variant interpretation guidelines (Richards et al. 2015 PMID: 25741868, with internal and published modifications).

NM_006950.3(SYN1):c.306C>T (p.Gly102=)

Gene: SYN1 (synapsin I; minus strand). Cytogenetic location: Xp11.23.
Variant type: single nucleotide variant.
Coding change: c.306C>T on transcript NM_006950.3 (MANE Select); coding-DNA position 306, C replaced by T.
Protein change: p.Gly102=; no amino-acid change (glycine 102 retained).
Molecular consequence: synonymous variant.
Genome position (GRCh38, 1-based): chrX:47,619,423, G>A on the plus strand (C>T on the coding strand, the complement: SYN1 is on the minus strand). VCF-style: chrX-47619423-G-A. GRCh37 (hg19) VCF-style: chrX-47478822-G-A.
Other names: c.306C>T, p.Gly102= (NM_133499.2).
Identifiers: ClinVar variation 3044032 (VCV003044032.2), dbSNP rs750169978, ClinGen allele CA10398778.
Genomic context (GRCh38, chrX:47,619,423, plus strand): 5'-CGGCTCGTCGATGACCAGCAGCACCCTGGAGGCGGCTCCCCCGCGGCCTGCGCCCCCAGA[G>A]CCGCCGCCCACCTGCTCGCTGAAGGTGGCAGCTGCCGCCGCCGTGGTCTGCTTGACCGCG-3'
Protein context (NP_008881.2, residues 92-112): AATFSEQVGG[Gly102=]SGGAGRGGAA